The following is an entry in ClinVar:

NM_001165963.4(SCN1A):c.4907G>T (p.Arg1636Leu)

Genes: SCN1A (sodium voltage-gated channel alpha subunit 1; minus strand), LOC102724058 (uncharacterized LOC102724058; plus strand). Cytogenetic location: 2q24.3.
Variant type: single nucleotide variant.
Coding change: c.4907G>T on transcript NM_001165963.4 (MANE Select); coding-DNA position 4907, G replaced by T.
Protein change: p.Arg1636Leu; replaces arginine 1636 with leucine.
Molecular consequence: missense variant. On other transcripts: non-coding transcript variant (1).
Genome position (GRCh38, 1-based): chr2:165,992,368, C>A on the plus strand (G>T on the coding strand, the complement: SCN1A is on the minus strand). VCF-style: chr2-165992368-C-A. GRCh37 (hg19) VCF-style: chr2-166848878-C-A.
Other names: c.4823G>T, p.Arg1608Leu (NM_001165964.3, NM_001353957.2, NM_001353958.2); c.4907G>T, p.Arg1636Leu (NM_001202435.3, NM_001353948.2); c.4874G>T, p.Arg1625Leu (NM_001353949.2, NM_001353950.2, NM_001353951.2 and 2 more transcripts); c.4871G>T, p.Arg1624Leu (NM_001353954.2, NM_001353955.2); c.4820G>T, p.Arg1607Leu (NM_001353960.2); c.2465G>T, p.Arg822Leu (NM_001353961.2); short protein forms R1607L, R1608L, R1625L, R1624L, R1636L, R822L.
Identifiers: ClinVar variation 2848849 (VCV002848849.3), dbSNP rs121917995, ClinGen allele CA349070327.

ClinVar aggregate classification (germline): Likely pathogenic (1 of 4 stars; one submission).

Conditions:
Early-infantile DEE. Also called: Early infantile epileptic encephalopathy; Early infantile epileptic encephalopathy with suppression bursts; Ohtahara syndrome. Identifiers: Orphanet 1934, MedGen C0393706, MONDO:0800491.

Allele frequency attached by ClinVar (database versions not stated): gnomAD exomes below 0.00001.
gnomAD v4.1: 1 of 1,613,602 alleles (0.000062%); highest among the groups gnomAD compares: East Asian, 0.0022%; no homozygotes.

Submission:

Labcorp Genetics (formerly Invitae), Labcorp
Classification: Likely pathogenic for Early-infantile DEE. Last evaluated: 2025-07-28. Review status: criteria provided, single submitter. Criteria: Invitae Variant Classification Sherloc (09022015). Collection method: clinical testing. Allele origin: germline.
Comment: This sequence change replaces arginine, which is basic and polar, with leucine, which is neutral and non-polar, at codon 1636 of the SCN1A protein (p.Arg1636Leu). This variant is not present in population databases (gnomAD no frequency). This missense change has been observed in individual(s) with SCN1A-related conditions (internal data). ClinVar contains an entry for this variant (Variation ID: 2848849). Invitae Evidence Modeling of protein sequence and biophysical properties (such as structural, functional, and spatial information, amino acid conservation, physicochemical variation, residue mobility, and thermodynamic stability) indicates that this missense variant is expected to disrupt SCN1A protein function with a positive predictive value of 95%. This variant disrupts the p.Arg1636 amino acid residue in SCN1A. Other variant(s) that disrupt this residue have been determined to be pathogenic (PMID: 17347258, 19589774, 26633542; internal data). This suggests that this residue is clinically significant, and that variants that disrupt this residue are likely to be disease-causing. In summary, the currently available evidence indicates that the variant is pathogenic, but additional data are needed to prove that conclusively. Therefore, this variant has been classified as Likely Pathogenic.

Literature cited by the submitters: PubMed 17347258; PubMed 19589774; PubMed 26633542.